The following is an entry in ClinVar:

ClinVar aggregate classification (germline): Uncertain significance (1 of 4 stars; one submission).

Allele frequency attached by ClinVar (database versions not stated): ExAC 0.00001; gnomAD 0.00001; TOPMed 0.00002.
gnomAD v4.1: 30 of 1,612,908 alleles (0.0019%); highest among the groups gnomAD compares: Admixed American, 0.005%; no homozygotes.

Submission:

Labcorp Genetics (formerly Invitae), Labcorp
Classification: Uncertain significance. Last evaluated: 2026-01-18. Review status: criteria provided, single submitter. Criteria: Invitae Variant Classification Sherloc (09022015). Collection method: clinical testing. Allele origin: germline.
Comment: This sequence change replaces arginine, which is basic and polar, with tryptophan, which is neutral and slightly polar, at codon 3185 of the DCHS1 protein (p.Arg3185Trp). This variant is present in population databases (rs745894081, gnomAD 0.009%). This variant has not been reported in the literature in individuals affected with DCHS1-related conditions. ClinVar contains an entry for this variant (Variation ID: 2076633). An algorithm developed to predict the effect of missense changes on protein structure and function (PolyPhen-2) suggests that this variant is likely to be disruptive. In summary, the available evidence is currently insufficient to determine the role of this variant in disease. Therefore, it has been classified as a Variant of Uncertain Significance.

NM_003737.4(DCHS1):c.9553C>T (p.Arg3185Trp)

Gene: DCHS1 (dachsous cadherin-related 1; minus strand). Cytogenetic location: 11p15.4.
Variant type: single nucleotide variant.
Coding change: c.9553C>T on transcript NM_003737.4 (MANE Select); coding-DNA position 9553, C replaced by T.
Protein change: p.Arg3185Trp; replaces arginine 3185 with tryptophan.
Molecular consequence: missense variant.
Genome position (GRCh38, 1-based): chr11:6,622,123, G>A on the plus strand (C>T on the coding strand, the complement: DCHS1 is on the minus strand). VCF-style: chr11-6622123-G-A. GRCh37 (hg19) VCF-style: chr11-6643354-G-A.
Other names: short protein forms R3185W.
Identifiers: ClinVar variation 2076633 (VCV002076633.4), dbSNP rs745894081, ClinGen allele CA5859230.